The following is an entry in ClinVar:

ClinVar aggregate classification (germline): Uncertain significance (1 of 4 stars; one submission).

Conditions:
Immunodeficiency 14 (IMD14A). Also called: Activated PI3K Delta Syndrome Type 1 (APDS1); p110-DELTA-ACTIVATING MUTATION CAUSING SENESCENT T CELLS, LYMPHADENOPATHY, AND IMMUNODEFICIENCY; IMMUNODEFICIENCY 14A WITH LYMPHOPROLIFERATION, AUTOSOMAL DOMINANT; ACTIVATED PI3K-DELTA SYNDROME 1. Identifiers: Orphanet 397596, Orphanet 693661, MedGen C5907821, MONDO:0014222, OMIM 615513.

Allele frequency attached by ClinVar (database versions not stated): gnomAD exomes below 0.00001; TOPMed 0.00002.
gnomAD v4.1: 1 of 1,613,482 alleles (0.000062%); highest among the groups gnomAD compares: Admixed American, 0.0017%; no homozygotes.

Submission:

Labcorp Genetics (formerly Invitae), Labcorp
Classification: Uncertain significance for Activated PI3K-delta syndrome. Last evaluated: 2022-10-05. Review status: criteria provided, single submitter. Criteria: Invitae Variant Classification Sherloc (09022015). Collection method: clinical testing. Allele origin: germline.
Comment: In summary, the available evidence is currently insufficient to determine the role of this variant in disease. Therefore, it has been classified as a Variant of Uncertain Significance. Advanced modeling of protein sequence and biophysical properties (such as structural, functional, and spatial information, amino acid conservation, physicochemical variation, residue mobility, and thermodynamic stability) performed at Invitae indicates that this missense variant is not expected to disrupt PIK3CD protein function. This variant has not been reported in the literature in individuals affected with PIK3CD-related conditions. This variant is present in population databases (no rsID available, gnomAD 0.003%). This sequence change replaces aspartic acid, which is acidic and polar, with asparagine, which is neutral and polar, at codon 606 of the PIK3CD protein (p.Asp606Asn).

NM_005026.5(PIK3CD):c.1816G>A (p.Asp606Asn)

Gene: PIK3CD (phosphatidylinositol-4,5-bisphosphate 3-kinase catalytic subunit delta; plus strand). Cytogenetic location: 1p36.22.
Variant type: single nucleotide variant.
Coding change: c.1816G>A on transcript NM_005026.5 (MANE Select); coding-DNA position 1816, G replaced by A.
Protein change: p.Asp606Asn; replaces aspartic acid 606 with asparagine.
Molecular consequence: missense variant.
Genome position (GRCh38, 1-based): chr1:9,721,448, G>A. VCF-style: chr1-9721448-G-A. GRCh37 (hg19) VCF-style: chr1-9781506-G-A.
Other names: c.1813G>A, p.Asp605Asn (NM_001350234.2); c.1729G>A, p.Asp577Asn (NM_001350235.1); short protein forms D606N, D577N, D605N.
Identifiers: ClinVar variation 1940339 (VCV001940339.5), dbSNP rs1379547883, ClinGen allele CA338304376.
Genomic context (GRCh38, chr1:9,721,448, plus strand): 5'-CTCCCTCCTGTCCTGAGTCGGGGAGCTCCAGGCCCCAGCGCCTTCCTTCCCTGCAGGGAC[G>A]ATGAGCTGTTCCAGTACCTGCTGCAGCTGGTGCAGGTGCTCAAGTACGAGTCCTACCTGG-3'
Protein context (NP_005017.3, residues 596-616): AIKSLRKLTD[Asp606Asn]ELFQYLLQLV